The following is an entry in ClinVar:

ClinVar aggregate classification (germline): Pathogenic (1 of 4 stars; one submission).

Submission:

Labcorp Genetics (formerly Invitae), Labcorp
Classification: Pathogenic. Last evaluated: 2020-09-11. Review status: criteria provided, single submitter. Criteria: Invitae Variant Classification Sherloc (09022015). Collection method: clinical testing. Allele origin: germline.
Comment: A gross deletion of the genomic region encompassing the full coding sequence of the GNPTG gene has been identified. The boundaries of this event are unknown as the deletion extends beyond the assayed region for this gene and therefore may encompass additional genes. This variant has not been reported in the literature in individuals with GNPTG-related conditions. Loss-of-function variants in GNPTG are known to be pathogenic (PMID: 19370764, 20301784). For these reasons, this variant has been classified as Pathogenic.

Literature cited by the submitters: PubMed 19370764; PubMed 20301784.

NC_000016.10:g.(?_1351956)_(1363101_?)del

Genes: GNPTG (N-acetylglucosamine-1-phosphate transferase subunit gamma; plus strand), LOC130058158 (ATAC-STARR-seq lymphoblastoid silent region 6972; plus strand). Cytogenetic location: 16p13.3.
Variant type: Deletion.
Identifiers: ClinVar variation 665655 (VCV000665655.2).